The following is an entry in ClinVar:

NM_006904.7(PRKDC):c.3979G>C (p.Gly1327Arg)

Gene: PRKDC (protein kinase, DNA-activated, catalytic subunit; minus strand). Cytogenetic location: 8q11.21.
Variant type: single nucleotide variant.
Coding change: c.3979G>C on transcript NM_006904.7 (MANE Select); coding-DNA position 3979, G replaced by C.
Protein change: p.Gly1327Arg; replaces glycine 1327 with arginine.
Molecular consequence: missense variant.
Genome position (GRCh38, 1-based): chr8:47,890,349, C>G on the plus strand (G>C on the coding strand, the complement: PRKDC is on the minus strand). VCF-style: chr8-47890349-C-G. GRCh37 (hg19) VCF-style: chr8-48802910-C-G.
Other names: c.3979G>C, p.Gly1327Arg (NM_001081640.2); short protein forms G1327R.
Identifiers: ClinVar variation 1736673 (VCV001736673.2), dbSNP rs1224613044, ClinGen allele CA371148644.
Genomic context (GRCh38, chr8:47,890,349, plus strand): 5'-TCGTGGTAAACTCCATAATCCGGACCACAACGGTGCATTTGCTGTAGTTGTACCTTTCTC[C>G]CTCTTGTGGGCTTGTTCTGTTACCTGCTGCCCCAGTGCCAAAGCACTTTTCTGCTGCTAT-3'
Protein context (NP_008835.5, residues 1317-1337): AAGNRTSPQE[Gly1327Arg]ERYNYSKCTV

ClinVar aggregate classification (germline): Uncertain significance (1 of 4 stars; one submission).

gnomAD v4.1: 1 of 1,613,522 alleles (0.000062%); highest among the groups gnomAD compares: Non-Finnish European, 0.000085%; no homozygotes.

Submission:

Ambry Genetics
Classification: Uncertain significance. Last evaluated: 2021-07-09. Review status: criteria provided, single submitter. Criteria: Ambry Variant Classification Scheme 2023. Collection method: clinical testing. Allele origin: germline.
Comment: The p.G1327R variant (also known as c.3979G>C), located in coding exon 32 of the PRKDC gene, results from a G to C substitution at nucleotide position 3979. The glycine at codon 1327 is replaced by arginine, an amino acid with dissimilar properties. This amino acid position is conserved. In addition, the in silico prediction for this alteration is inconclusive. Since supporting evidence is limited at this time, the clinical significance of this alteration remains unclear.